The following is an entry in ClinVar:

ClinVar aggregate classification (germline): Uncertain significance. Review status: criteria provided, multiple submitters, no conflicts (2 of 4 stars). 2 submissions from 2 submitters: Uncertain significance (2). Last evaluated 2023-10-31.

Conditions:
Cardiovascular phenotype. Identifiers: MedGen CN230736.
Alstrom syndrome (ALMS). Identifiers: Orphanet 64, MedGen C0268425, MONDO:0008763, OMIM 203800.

Submissions (2):

Ambry Genetics
Classification: Uncertain significance for Cardiovascular phenotype. Last evaluated: 2023-10-31. Review status: criteria provided, single submitter. Criteria: Ambry Variant Classification Scheme 2023. Collection method: clinical testing. Allele origin: germline.
Comment: The c.4391_4531del141 variant (also known as p.D1464_V1510del) is located in coding exon 8 of the ALMS1 gene. This variant results from an in-frame deletion of 141 nucleotides at positions 4391 to 4531. This results in the in-frame deletion of 47 amino acids at codons 1464 to 1510. This amino acid region is not well conserved in available vertebrate species. In addition, this alteration is predicted to be deleterious by in silico analysis (Choi Y et al. PLoS ONE. 2012; 7(10):e46688). Since supporting evidence is limited at this time, the clinical significance of this alteration remains unclear.

Labcorp Genetics (formerly Invitae), Labcorp
Classification: Uncertain significance for Alstrom syndrome. Last evaluated: 2022-02-02. Review status: criteria provided, single submitter. Criteria: Invitae Variant Classification Sherloc (09022015). Collection method: clinical testing. Allele origin: germline.
Comment: This variant, c.4391_4531del, results in the deletion of 47 amino acid(s) of the ALMS1 protein (p.Asp1464_Val1510del), but otherwise preserves the integrity of the reading frame. This variant is not present in population databases (gnomAD no frequency). This variant has not been reported in the literature in individuals affected with ALMS1-related conditions. Experimental studies and prediction algorithms are not available or were not evaluated, and the functional significance of this variant is currently unknown. In summary, the available evidence is currently insufficient to determine the role of this variant in disease. Therefore, it has been classified as a Variant of Uncertain Significance.

NM_001378454.1(ALMS1):c.4388_4528del (p.Asp1463_Val1509del)

Gene: ALMS1 (ALMS1 centrosome and basal body associated protein; plus strand). Cytogenetic location: 2p13.1.
Variant type: Deletion.
Coding change: c.4388_4528del on transcript NM_001378454.1 (MANE Select); coding-DNA positions 4388 to 4528, 141 bases deleted.
Protein change: p.Asp1463_Val1509del.
Molecular consequence: inframe deletion.
Genome position (GRCh38, 1-based): chr2:73,450,915-73,451,055, 141 bases deleted. GRCh37 (hg19): chr2:73,678,042-73,678,182.
Other names: c.4391_4531del141 (NM_015120.4); c.4391_4531del, p.Asp1464_Val1510del (NM_015120.4).
Identifiers: ClinVar variation 1975357 (VCV001975357.3), dbSNP rs2466101438, ClinGen allele CA1032199612.